The following is an entry in ClinVar:

NM_000760.4(CSF3R):c.1936G>A (p.Ala646Thr)

Gene: CSF3R (colony stimulating factor 3 receptor; minus strand). Cytogenetic location: 1p34.3.
Variant type: single nucleotide variant.
Coding change: c.1936G>A on transcript NM_000760.4 (MANE Select); coding-DNA position 1936, G replaced by A.
Protein change: p.Ala646Thr; replaces alanine 646 with threonine.
Molecular consequence: missense variant.
Genome position (GRCh38, 1-based): chr1:36,467,580, C>T on the plus strand (G>A on the coding strand, the complement: CSF3R is on the minus strand). VCF-style: chr1-36467580-C-T. GRCh37 (hg19) VCF-style: chr1-36933181-C-T.
Other names: c.1936G>A, p.Ala646Thr (NM_156039.3, NM_172313.3); short protein forms A646T.
Identifiers: ClinVar variation 1718321 (VCV001718321.5), dbSNP rs1471584414, ClinGen allele CA339417054.

ClinVar aggregate classification (germline): Uncertain significance (1 of 4 stars; one submission).

Conditions:
Autosomal recessive severe congenital neutropenia due to CSF3R deficiency. Also called: Neutropenia, severe congenital, 7, autosomal recessive. Identifiers: Orphanet 420702, MedGen C4310764, MONDO:0014865, OMIM 617014.

Allele frequency attached by ClinVar (database versions not stated): TOPMed below 0.00001; gnomAD 0.00001.
gnomAD v4.1: 4 of 1,614,046 alleles (0.00025%); highest among the groups gnomAD compares: Non-Finnish European, 0.00034%; no homozygotes.

Submission:

Labcorp Genetics (formerly Invitae), Labcorp
Classification: Uncertain significance for Autosomal recessive severe congenital neutropenia due to CSF3R deficiency. Last evaluated: 2022-08-30. Review status: criteria provided, single submitter. Criteria: Invitae Variant Classification Sherloc (09022015). Collection method: clinical testing. Allele origin: germline.
Comment: This sequence change replaces alanine, which is neutral and non-polar, with threonine, which is neutral and polar, at codon 646 of the CSF3R protein (p.Ala646Thr). This variant is present in population databases (no rsID available, gnomAD 0.0009%). This variant has not been reported in the literature in individuals affected with CSF3R-related conditions. Algorithms developed to predict the effect of missense changes on protein structure and function output the following: SIFT: "Tolerated"; PolyPhen-2: "Benign"; Align-GVGD: "Class C0". The threonine amino acid residue is found in multiple mammalian species, which suggests that this missense change does not adversely affect protein function. In summary, the available evidence is currently insufficient to determine the role of this variant in disease. Therefore, it has been classified as a Variant of Uncertain Significance.